The following is an entry in ClinVar:

ClinVar aggregate classification (germline): Uncertain significance. Review status: criteria provided, multiple submitters, no conflicts (2 of 4 stars). 2 submissions from 2 submitters: Uncertain significance (2). Last evaluated 2025-08-28.

Conditions:
Spondylocarpotarsal synostosis syndrome (SCT). Also called: SPONDYLOCARPOTARSAL SYNDROME; VERTEBRAL FUSION WITH CARPAL COALITION; Synspondylism congenital; Scoliosis, congenital with unilateral unsegmented bar; Spondylocarpotarsal Synostosis Syndrome (FLNB-SCT). Identifiers: Orphanet 3275, MedGen C1848934, MONDO:0010094, OMIM 272460.

gnomAD v4.1: 12 of 1,614,174 alleles (0.00074%); highest among the groups gnomAD compares: South Asian, 0.0044%; no homozygotes.

Submissions (2):

3billion
Classification: Uncertain significance for Spondylocarpotarsal synostosis syndrome. Last evaluated: 2025-08-28. Review status: criteria provided, single submitter. Criteria: ACMG Guidelines, 2015. Collection method: clinical testing. Allele origin: germline. Affected: yes.
Comment: The variant is observed at an extremely low frequency in the gnomAD v4.1.0 dataset (total allele frequency: <0.001%). Predicted Consequence/Location: Missense variant Damaging effect on gene or gene product predicted by in silico programs is uncertain [3Cnet: 0.65 (damaging >0.75, benign <0.1)]. Therefore, this variant is classified as VUS according to the recommendation of ACMG/AMP guideline.

Blueprint Genetics
Classification: Uncertain significance. Last evaluated: 2021-12-07. Review status: criteria provided, single submitter. Criteria: ACMG Guidelines, 2015. Collection method: clinical testing. Allele origin: germline.

NM_001457.4(FLNB):c.4634G>A (p.Arg1545Gln)

Gene: FLNB (filamin B; plus strand). Cytogenetic location: 3p14.3.
Variant type: single nucleotide variant.
Coding change: c.4634G>A on transcript NM_001457.4 (MANE Select); coding-DNA position 4634, G replaced by A.
Protein change: p.Arg1545Gln; replaces arginine 1545 with glutamine.
Molecular consequence: missense variant.
Genome position (GRCh38, 1-based): chr3:58,134,735, G>A. VCF-style: chr3-58134735-G-A. GRCh37 (hg19) VCF-style: chr3-58120462-G-A.
Other names: c.4727G>A, p.Arg1576Gln (NM_001164317.2); c.4634G>A, p.Arg1545Gln (NM_001164318.2, NM_001164319.2); short protein forms R1545Q, R1576Q.
Identifiers: ClinVar variation 4853955 (VCV004853955.2).
Genomic context (GRCh38, chr3:58,134,735, plus strand): 5'-CCGGCCTTAGTTCCTATGGTGTGCCTGCCAGTCTACCTGTGGACTTTGCAATTGATGCCC[G>A]AGATGCCGGGGAAGGCCTGCTTGCTGTTCAAATAACGGTAACTTGGAGTTATTTTCTGAG-3'
Protein context (NP_001448.2, residues 1535-1555): SLPVDFAIDA[Arg1545Gln]DAGEGLLAVQ